The following is an entry in ClinVar:

NM_001042492.3(NF1):c.3971C>T (p.Thr1324Ile)

Gene: NF1 (neurofibromin 1; plus strand). Cytogenetic location: 17q11.2.
Variant type: single nucleotide variant.
Coding change: c.3971C>T on transcript NM_001042492.3 (MANE Select); coding-DNA position 3971, C replaced by T.
Protein change: p.Thr1324Ile; replaces threonine 1324 with isoleucine.
Molecular consequence: missense variant.
Genome position (GRCh38, 1-based): chr17:31,236,018, C>T. VCF-style: chr17-31236018-C-T. GRCh37 (hg19) VCF-style: chr17-29563036-C-T.
Other names: c.3971C>T, p.Thr1324Ile (NM_000267.4); short protein forms T1324I.
Identifiers: ClinVar variation 1006988 (VCV001006988.6), dbSNP rs2067195762, ClinGen allele CA398993347.

ClinVar aggregate classification (germline): Uncertain significance. Review status: criteria provided, single submitter (1 of 4 stars). 2 submissions from 2 submitters: Uncertain significance (1). 1 of the submissions does not count toward it. Last evaluated 2024-01-09.

Conditions:
NF1-related disorder. Also called: NF1-related condition. Identifiers: MedGen CN379171.
Neurofibromatosis, type 1 (NF1). Also called: NEUROFIBROMATOSIS, TYPE I, SOMATIC; Peripheral type neurofibromatosis; VON RECKLINGHAUSEN DISEASE; Neurofibromatosis, type I. Identifiers: Orphanet 636, MedGen C0027831, MONDO:0018975, OMIM 162200. Disease mechanism: loss of function.

Submissions (2):

Labcorp Genetics (formerly Invitae), Labcorp
Classification: Uncertain significance for Neurofibromatosis, type 1. Last evaluated: 2024-01-09. Review status: criteria provided, single submitter. Criteria: Invitae Variant Classification Sherloc (09022015). Collection method: clinical testing. Allele origin: germline.
Comment: This sequence change replaces threonine, which is neutral and polar, with isoleucine, which is neutral and non-polar, at codon 1324 of the NF1 protein (p.Thr1324Ile). This variant is not present in population databases (gnomAD no frequency). This variant has not been reported in the literature in individuals affected with NF1-related conditions. ClinVar contains an entry for this variant (Variation ID: 1006988). Advanced modeling of protein sequence and biophysical properties (such as structural, functional, and spatial information, amino acid conservation, physicochemical variation, residue mobility, and thermodynamic stability) performed at Invitae indicates that this missense variant is expected to disrupt NF1 protein function with a positive predictive value of 95%. In summary, the available evidence is currently insufficient to determine the role of this variant in disease. Therefore, it has been classified as a Variant of Uncertain Significance.

PreventionGenetics, part of Exact Sciences
Classification: Uncertain significance for NF1-related condition. Last evaluated: 2024-07-10. Review status: no assertion criteria provided. Collection method: clinical testing. Allele origin: germline. Not counted in ClinVar's aggregate classification.
Comment: The NF1 c.3971C>T variant is predicted to result in the amino acid substitution p.Thr1324Ile. To our knowledge, this variant has not been reported in the literature or in a large population database, indicating this variant is rare. At this time, the clinical significance of this variant is uncertain due to the absence of conclusive functional and genetic evidence.